The following is an entry in ClinVar:

ClinVar aggregate classification (germline): Conflicting classifications of pathogenicity. Review status: criteria provided, conflicting classifications (1 of 4 stars). 2 submissions from 2 submitters: Uncertain significance (1); Likely benign (1). Last evaluated 2025-02-07.

Conditions:
Neuroblastoma, susceptibility to, 3. Also called: ALK-Related Neuroblastic Tumor Susceptibility. Identifiers: Orphanet 635, MedGen C2751681, MONDO:0013083, OMIM 613014.
Hereditary cancer-predisposing syndrome. Also called: Neoplastic Syndromes, Hereditary; Hereditary neoplastic syndrome; Hereditary Cancer Syndrome; Tumor predisposition. Identifiers: Orphanet 140162, MedGen C0027672, MeSH D009386, MONDO:0015356.

Submissions (2):

Ambry Genetics
Classification: Likely benign for Hereditary cancer-predisposing syndrome. Last evaluated: 2025-02-07. Review status: criteria provided, single submitter. Criteria: Ambry Variant Classification Scheme 2023. Collection method: clinical testing. Allele origin: germline.

Labcorp Genetics (formerly Invitae), Labcorp
Classification: Uncertain significance for Neuroblastoma, susceptibility to, 3. Last evaluated: 2021-09-01. Review status: criteria provided, single submitter. Criteria: Invitae Variant Classification Sherloc (09022015). Collection method: clinical testing. Allele origin: germline.
Comment: This variant is not present in population databases (ExAC no frequency). This sequence change replaces asparagine with lysine at codon 563 of the ALK protein (p.Asn563Lys). The asparagine residue is highly conserved and there is a moderate physicochemical difference between asparagine and lysine. This variant has not been reported in the literature in individuals affected with ALK-related conditions. Algorithms developed to predict the effect of missense changes on protein structure and function (SIFT, PolyPhen-2, Align-GVGD) all suggest that this variant is likely to be disruptive. In summary, the available evidence is currently insufficient to determine the role of this variant in disease. Therefore, it has been classified as a Variant of Uncertain Significance.

NM_004304.5(ALK):c.1689C>G (p.Asn563Lys)

Gene: ALK (ALK receptor tyrosine kinase; minus strand). Cytogenetic location: 2p23.2.
Variant type: single nucleotide variant.
Coding change: c.1689C>G on transcript NM_004304.5 (MANE Select); coding-DNA position 1689, C replaced by G.
Protein change: p.Asn563Lys; replaces asparagine 563 with lysine.
Molecular consequence: missense variant.
Genome position (GRCh38, 1-based): chr2:29,297,016, G>C on the plus strand (C>G on the coding strand, the complement: ALK is on the minus strand). VCF-style: chr2-29297016-G-C. GRCh37 (hg19) VCF-style: chr2-29519882-G-C.
Other names: c.1689C>G (NM_004304.4); short protein forms N563K.
Identifiers: ClinVar variation 1403088 (VCV001403088.7), dbSNP rs565743321, ClinGen allele CA346466521.